The following is an entry in ClinVar:

ClinVar aggregate classification (germline): Pathogenic/Likely pathogenic. Review status: criteria provided, multiple submitters, no conflicts (2 of 4 stars). 3 submissions from 3 submitters: Pathogenic (1); Likely pathogenic (2). Last evaluated 2025-01-27.

Conditions:
KIF11-related disorder. Also called: KIF11-related condition.

Submissions (3):

Labcorp Genetics (formerly Invitae), Labcorp
Classification: Pathogenic. Last evaluated: 2025-01-27. Review status: criteria provided, single submitter. Criteria: Invitae Variant Classification Sherloc (09022015). Collection method: clinical testing. Allele origin: germline.
Comment: This sequence change affects an acceptor splice site in intron 4 of the KIF11 gene. It is expected to disrupt RNA splicing. Variants that disrupt the donor or acceptor splice site typically lead to a loss of protein function (PMID: 16199547), and loss-of-function variants in KIF11 are known to be pathogenic (PMID: 22284827, 24281367). This variant is not present in population databases (gnomAD no frequency). Disruption of this splice site has been observed in individual(s) with clinical features of KIF11-related conditions (PMID: 37089697; internal data). In at least one individual the variant was observed to be de novo. ClinVar contains an entry for this variant (Variation ID: 837625). Algorithms developed to predict the effect of sequence changes on RNA splicing suggest that this variant may disrupt the consensus splice site. For these reasons, this variant has been classified as Pathogenic.

GeneDx
Classification: Likely pathogenic. Last evaluated: 2024-05-23. Review status: criteria provided, single submitter. Criteria: GeneDx Variant Classification Process June 2021. Collection method: clinical testing. Allele origin: germline. Affected: yes.
Comment: Not observed at significant frequency in large population cohorts (gnomAD); Canonical splice site variant predicted to result in an in-frame loss of the adjacent exon in a gene for which loss of function is a known mechanism of disease; This variant is associated with the following publications: (PMID: 37089697)

PreventionGenetics, part of Exact Sciences
Classification: Likely pathogenic for KIF11-related condition. Last evaluated: 2023-04-11. Review status: criteria provided, single submitter. Criteria: ACMG Guidelines, 2015. Collection method: clinical testing. Allele origin: germline.
Comment: The KIF11 c.388-1G>C variant is predicted to disrupt the AG splice acceptor site and interfere with normal splicing. To our knowledge, this variant has not been reported in the literature. This variant has not been reported in a large population database, indicating this variant is rare. Variants that disrupt the consensus splice acceptor site in KIF11 are expected to be pathogenic. This variant is interpreted as likely pathogenic.

Literature cited by the submitters: PubMed 16199547 (cited by Labcorp Genetics (formerly Invitae), Labcorp); PubMed 22284827 (cited by Labcorp Genetics (formerly Invitae), Labcorp); PubMed 24281367 (cited by Labcorp Genetics (formerly Invitae), Labcorp); PubMed 37089697 (cited by Labcorp Genetics (formerly Invitae), Labcorp).

NM_004523.4(KIF11):c.388-1G>C

Gene: KIF11 (kinesin family member 11; plus strand). Cytogenetic location: 10q23.33.
Variant type: single nucleotide variant.
Coding change: c.388-1G>C on transcript NM_004523.4 (MANE Select); the canonical splice acceptor site of the intron before coding-DNA position 388, G replaced by C.
Molecular consequence: splice acceptor variant.
Genome position (GRCh38, 1-based): chr10:92,609,019, G>C. VCF-style: chr10-92609019-G-C. GRCh37 (hg19) VCF-style: chr10-94368776-G-C.
Identifiers: ClinVar variation 837625 (VCV000837625.11), dbSNP rs1844462368, ClinGen allele CA377589216.